The following is an entry in ClinVar:

NM_182972.3(IRF2BP2):c.329C>G (p.Ala110Gly)

Genes: IRF2BP2 (interferon regulatory factor 2 binding protein 2; minus strand), LOC129932812 (ATAC-STARR-seq lymphoblastoid silent region 1977; plus strand). Cytogenetic location: 1q42.3.
Variant type: single nucleotide variant.
Coding change: c.329C>G on transcript NM_182972.3 (MANE Select); coding-DNA position 329, C replaced by G.
Protein change: p.Ala110Gly; replaces alanine 110 with glycine.
Molecular consequence: missense variant.
Genome position (GRCh38, 1-based): chr1:234,609,166, G>C on the plus strand (C>G on the coding strand, the complement: IRF2BP2 is on the minus strand). VCF-style: chr1-234609166-G-C. GRCh37 (hg19) VCF-style: chr1-234744912-G-C.
Other names: c.329C>G, p.Ala110Gly (NM_001077397.1); short protein forms A110G.
Identifiers: ClinVar variation 4731617 (VCV004731617.1).

ClinVar aggregate classification (germline): Uncertain significance (1 of 4 stars; one submission).

gnomAD v4.1: 1 of 1,272,782 alleles (0.000079%); highest among the groups gnomAD compares: South Asian, 0.0026%; no homozygotes.

Submission:

Labcorp Genetics (formerly Invitae), Labcorp
Classification: Uncertain significance. Last evaluated: 2025-11-20. Review status: criteria provided, single submitter. Criteria: Invitae Variant Classification Sherloc (09022015). Collection method: clinical testing. Allele origin: germline.
Comment: This sequence change replaces alanine, which is neutral and non-polar, with glycine, which is neutral and non-polar, at codon 110 of the IRF2BP2 protein (p.Ala110Gly). This variant is not present in population databases (gnomAD no frequency). This variant has not been reported in the literature in individuals affected with IRF2BP2-related conditions. An algorithm developed to predict the effect of missense changes on protein structure and function (PolyPhen-2) suggests that this variant is likely to be tolerated. In summary, the available evidence is currently insufficient to determine the role of this variant in disease. Therefore, it has been classified as a Variant of Uncertain Significance.